The following is an entry in ClinVar:

ClinVar aggregate classification (germline): Likely benign (1 of 4 stars; one submission).

Allele frequency attached by ClinVar (database versions not stated): gnomAD 0.00001.
gnomAD v4.1: 6 of 1,613,900 alleles (0.00037%); highest among the groups gnomAD compares: East Asian, 0.0022%; no homozygotes.

Submission:

CeGaT Center for Human Genetics Tuebingen
Classification: Likely benign. Last evaluated: 2022-10-01. Review status: criteria provided, single submitter. Criteria: CeGaT Center For Human Genetics Tuebingen Variant Classification Criteria Version 2. Collection method: clinical testing. Allele origin: germline. Affected: yes. Observed: 1 variant allele.
Comment: CIC: BP4, BP7

NM_001386298.1(CIC):c.3222G>A (p.Pro1074=)

Gene: CIC (capicua transcriptional repressor; plus strand). Cytogenetic location: 19q13.2.
Variant type: single nucleotide variant.
Coding change: c.3222G>A on transcript NM_001386298.1 (MANE Select); coding-DNA position 3222, G replaced by A.
Protein change: p.Pro1074=; no amino-acid change (proline 1074 retained).
Molecular consequence: synonymous variant.
Genome position (GRCh38, 1-based): chr19:42,287,362, G>A. VCF-style: chr19-42287362-G-A. GRCh37 (hg19) VCF-style: chr19-42791514-G-A.
Other names: c.3222G>A, p.Pro1074= (NM_001304815.2, NM_001379480.1, NM_001379482.1 and 1 more transcripts); c.495G>A, p.Pro165= (NM_001379484.1, NM_001379485.1, NM_015125.5).
Identifiers: ClinVar variation 2649979 (VCV002649979.24), dbSNP rs757335104, ClinGen allele CA9471738.
Genomic context (GRCh38, chr19:42,287,362, plus strand): 5'-CCTGCTGCCCCGCCGCAGCTTCCTCTCCATCATGTCTCCTGAGATCCAGTTGCCTCTACC[G>A]CCCGGAAAACGTCGGACCCAGTCCCTCAGTGCCCTACCCAAGGAACGGGACTCATCTTCT-3'
Protein context (NP_001373227.1, residues 1064-1084): IMSPEIQLPL[Pro1074=]PGKRRTQSLS